The following is an entry in ClinVar:

NM_006361.6(HOXB13):c.534G>C (p.Trp178Cys)

Gene: HOXB13 (homeobox B13; minus strand). Cytogenetic location: 17q21.32.
Variant type: single nucleotide variant.
Coding change: c.534G>C on transcript NM_006361.6 (MANE Select); coding-DNA position 534, G replaced by C.
Protein change: p.Trp178Cys; replaces tryptophan 178 with cysteine.
Molecular consequence: missense variant.
Genome position (GRCh38, 1-based): chr17:48,728,060, C>G on the plus strand (G>C on the coding strand, the complement: HOXB13 is on the minus strand). VCF-style: chr17-48728060-C-G. GRCh37 (hg19) VCF-style: chr17-46805422-C-G.
Other names: short protein forms W178C.
Identifiers: ClinVar variation 2563736 (VCV002563736.3), dbSNP rs2509514683, ClinGen allele CA400107250.
Genomic context (GRCh38, chr17:48,728,060, plus strand): 5'-TGCTGCCTTCCAAAAGGGACCTGGTGGGTTCTGTTCTCCCTGGCAACACATCTGGCTGTT[C>G]CAGCCACCAGCGAGAGCCCAAGACTGGTAACTGTCCACAGGCAACAGGGAGTCATGTCGC-3'
Protein context (NP_006352.2, residues 168-188): SYQSWALAGG[Trp178Cys]NSQMCCQGEQ

ClinVar aggregate classification (germline): Uncertain significance (1 of 4 stars; one submission).

Conditions:
Hereditary cancer-predisposing syndrome. Also called: Neoplastic Syndromes, Hereditary; Hereditary Cancer Syndrome; Hereditary neoplastic syndrome; Tumor predisposition. Identifiers: Orphanet 140162, MedGen C0027672, MeSH D009386, MONDO:0015356.

gnomAD v4.1: 1 of 1,614,170 alleles (0.000062%); highest among the groups gnomAD compares: Non-Finnish European, 0.000085%; no homozygotes.

Submission:

Ambry Genetics
Classification: Uncertain significance for Hereditary cancer-predisposing syndrome. Last evaluated: 2025-05-17. Review status: criteria provided, single submitter. Criteria: Ambry Variant Classification Scheme 2023. Collection method: clinical testing. Allele origin: germline.
Comment: The p.W178C variant (also known as c.534G>C), located in coding exon 1 of the HOXB13 gene, results from a G to C substitution at nucleotide position 534. The tryptophan at codon 178 is replaced by cysteine, an amino acid with highly dissimilar properties. This amino acid position is conserved. In addition, this alteration is predicted to be deleterious by in silico analysis. Since supporting evidence is limited at this time, the clinical significance of this alteration remains unclear.